The following is an entry in ClinVar:

ClinVar aggregate classification (germline): Uncertain significance (1 of 4 stars; one submission).

Conditions:
Ornithine aminotransferase deficiency (GACR). Also called: HYPERORNITHINEMIA WITH GYRATE ATROPHY OF CHOROID AND RETINA; OAT DEFICIENCY; OKT DEFICIENCY; Ornithine ketoacid aminotransferase deficiency; Gyrate atrophy; Gyrate atrophy of choroid and retina. Identifiers: Orphanet 414, MedGen C0018425, MONDO:0009796, OMIM 258870.

Allele frequency attached by ClinVar (database versions not stated): gnomAD exomes below 0.00001 and 0.00001; gnomAD 0.00001; TOPMed 0.00001.
gnomAD v4.1: 3 of 1,608,168 alleles (0.00019%); highest among the groups gnomAD compares: Admixed American, 0.005%; no homozygotes.

Submission:

Labcorp Genetics (formerly Invitae), Labcorp
Classification: Uncertain significance for Ornithine aminotransferase deficiency. Last evaluated: 2021-08-14. Review status: criteria provided, single submitter. Criteria: Invitae Variant Classification Sherloc (09022015). Collection method: clinical testing. Allele origin: germline.
Comment: This sequence change replaces proline with serine at codon 364 of the OAT protein (p.Pro364Ser). The proline residue is highly conserved and there is a moderate physicochemical difference between proline and serine. This variant is not present in population databases (ExAC no frequency). This variant has not been reported in the literature in individuals affected with OAT-related conditions. Algorithms developed to predict the effect of missense changes on protein structure and function (SIFT, PolyPhen-2, Align-GVGD) all suggest that this variant is likely to be tolerated. In summary, the available evidence is currently insufficient to determine the role of this variant in disease. Therefore, it has been classified as a Variant of Uncertain Significance.

NM_000274.4(OAT):c.1090C>T (p.Pro364Ser)

Gene: OAT (ornithine aminotransferase; minus strand). Cytogenetic location: 10q26.13.
Variant type: single nucleotide variant.
Coding change: c.1090C>T on transcript NM_000274.4 (MANE Select); coding-DNA position 1090, C replaced by T.
Protein change: p.Pro364Ser; replaces proline 364 with serine.
Molecular consequence: missense variant.
Genome position (GRCh38, 1-based): chr10:124,400,909, G>A on the plus strand (C>T on the coding strand, the complement: OAT is on the minus strand). VCF-style: chr10-124400909-G-A. GRCh37 (hg19) VCF-style: chr10-126089478-G-A.
Other names: c.676C>T, p.Pro226Ser (NM_001171814.2); c.1090C>T, p.Pro364Ser (NM_001322965.2, NM_001322966.2, NM_001322967.2 and 3 more transcripts); c.769C>T, p.Pro257Ser (NM_001322971.2); c.490C>T, p.Pro164Ser (NM_001322974.2); short protein forms P164S, P364S, P226S, P257S.
Identifiers: ClinVar variation 1433632 (VCV001433632.5), dbSNP rs1195438970, ClinGen allele CA378633643.
Genomic context (GRCh38, chr10:124,400,909, plus strand): 5'-CTTTAATGACAATAGCGTTTAATAATCCTTTTCCTCTTACGGCAGTTACAACATCAGAAG[G>A]TAGCTTCATGAGTTCATTTCTCAAGATAATGCCCAATTTGTCTGCATTTTCAGCAAGGTT-3'
Protein context (NP_000265.1, residues 354-374): IILRNELMKL[Pro364Ser]SDVVTAVRGK